The following is an entry in ClinVar:

ClinVar aggregate classification (germline): Uncertain significance (1 of 4 stars; one submission).

Conditions:
Catecholaminergic polymorphic ventricular tachycardia 1. Also called: VENTRICULAR TACHYCARDIA, STRESS-INDUCED POLYMORPHIC 1; VENTRICULAR TACHYCARDIA, CATECHOLAMINERGIC POLYMORPHIC, 1, WITH OR WITHOUT ATRIAL DYSFUNCTION AND/OR DILATED CARDIOMYOPATHY; RYR2-Related Catecholaminergic Polymorphic Ventricular Tachycardia. Identifiers: Orphanet 3286, MedGen C1631597, MONDO:0011484, OMIM 604772.

Submission:

Labcorp Genetics (formerly Invitae), Labcorp
Classification: Uncertain significance for Catecholaminergic polymorphic ventricular tachycardia 1. Last evaluated: 2021-07-13. Review status: criteria provided, single submitter. Criteria: Invitae Variant Classification Sherloc (09022015). Collection method: clinical testing. Allele origin: germline.
Comment: This sequence change replaces serine with proline at codon 352 of the RYR2 protein (p.Ser352Pro). The serine residue is highly conserved and there is a moderate physicochemical difference between serine and proline. This variant is not present in population databases (ExAC no frequency). This variant has not been reported in the literature in individuals affected with RYR2-related conditions. Advanced modeling of protein sequence and biophysical properties (such as structural, functional, and spatial information, amino acid conservation, physicochemical variation, residue mobility, and thermodynamic stability) performed at Invitae indicates that this missense variant is not expected to disrupt RYR2 protein function. In summary, the available evidence is currently insufficient to determine the role of this variant in disease. Therefore, it has been classified as a Variant of Uncertain Significance.

NM_001035.3(RYR2):c.1054T>C (p.Ser352Pro)

Gene: RYR2 (ryanodine receptor 2; plus strand). Cytogenetic location: 1q43.
Variant type: single nucleotide variant.
Coding change: c.1054T>C on transcript NM_001035.3 (MANE Select); coding-DNA position 1054, T replaced by C.
Protein change: p.Ser352Pro; replaces serine 352 with proline.
Molecular consequence: missense variant.
Genome position (GRCh38, 1-based): chr1:237,441,367, T>C. VCF-style: chr1-237441367-T-C. GRCh37 (hg19) VCF-style: chr1-237604667-T-C.
Other names: short protein forms S352P.
Identifiers: ClinVar variation 1403865 (VCV001403865.9), dbSNP rs2150146732, ClinGen allele CA345376071.
Genomic context (GRCh38, chr1:237,441,367, plus strand): 5'-CTCTCCCCTTAGGAAAAATTGGATGTAGGGGTGAGAAAAGAAGTAGATGGCATGGGAACA[T>C]CTGAAATAAAATACGGTGACTCAGTATGCTATATACAACATGTAGACACAGGCCTATGGC-3'
Protein context (NP_001026.2, residues 342-362): VRKEVDGMGT[Ser352Pro]EIKYGDSVCY